The following is an entry in ClinVar:

ClinVar aggregate classification (germline): Uncertain significance (1 of 4 stars; one submission).

Conditions:
Inborn genetic diseases. Identifiers: MedGen C0950123, MeSH D030342.

gnomAD v4.1: 4 of 1,611,862 alleles (0.00025%); highest among the groups gnomAD compares: South Asian, 0.0022%; no homozygotes.

Submission:

Ambry Genetics
Classification: Uncertain significance for Inborn genetic diseases. Last evaluated: 2025-05-17. Review status: criteria provided, single submitter. Criteria: Ambry Variant Classification Scheme 2023. Collection method: clinical testing. Allele origin: germline.
Comment: The p.P30S variant (also known as c.88C>T), located in coding exon 1 of the ANKRD26 gene, results from a C to T substitution at nucleotide position 88. The proline at codon 30 is replaced by serine, an amino acid with similar properties. This amino acid position is conserved. In addition, this alteration is predicted to be tolerated by in silico analysis. Based on the available evidence, the clinical significance of this variant remains unclear.

NM_014915.3(ANKRD26):c.88C>T (p.Pro30Ser)

Genes: ANKRD26 (ankyrin repeat domain containing 26; minus strand), LOC130003554 (ATAC-STARR-seq lymphoblastoid silent region 2243; plus strand). Cytogenetic location: 10p12.1.
Variant type: single nucleotide variant.
Coding change: c.88C>T on transcript NM_014915.3 (MANE Select); coding-DNA position 88, C replaced by T.
Protein change: p.Pro30Ser; replaces proline 30 with serine.
Molecular consequence: missense variant.
Genome position (GRCh38, 1-based): chr10:27,100,239, G>A on the plus strand (C>T on the coding strand, the complement: ANKRD26 is on the minus strand). VCF-style: chr10-27100239-G-A. GRCh37 (hg19) VCF-style: chr10-27389168-G-A.
Other names: c.88C>T, p.Pro30Ser (NM_001256053.2); short protein forms P30S.
Identifiers: ClinVar variation 3914537 (VCV003914537.1).